The following is an entry in ClinVar:

ClinVar aggregate classification (germline): Uncertain significance. Review status: criteria provided, multiple submitters, no conflicts (2 of 4 stars). 4 submissions from 4 submitters: Uncertain significance (4). Last evaluated 2025-11-07.

Conditions:
PHKB-related disorder. Also called: PHKB-related condition.
Glycogen storage disease IXb (GSD9B). Also called: PHOSPHORYLASE KINASE DEFICIENCY OF LIVER AND MUSCLE, AUTOSOMAL RECESSIVE; GLYCOGENOSIS OF LIVER AND MUSCLE, AUTOSOMAL RECESSIVE; GSD IXb. Identifiers: Orphanet 79240, MedGen C0543514, MONDO:0009868, OMIM 261750.
Inborn genetic diseases. Identifiers: MedGen C0950123, MeSH D030342.

Allele frequency attached by ClinVar (database versions not stated): 1000 Genomes Project 30x 0.00016; 1000 Genomes Project 0.00020; ExAC 0.00022; gnomAD 0.00023 and 0.00024; gnomAD exomes 0.00024 and 0.00057; TOPMed 0.00025; ESP Exome Variant Server 0.00062.
gnomAD v4.1: 853 of 1,612,192 alleles (0.053%); highest among the groups gnomAD compares: Non-Finnish European, 0.07%; no homozygotes.

Submissions (4):

PreventionGenetics, part of Exact Sciences
Classification: Uncertain significance for PHKB-related condition. Last evaluated: 2025-11-07. Review status: criteria provided, single submitter. Criteria: ACMG Guidelines, 2015. Collection method: clinical testing. Allele origin: germline.
Comment: The PHKB c.760T>G variant is predicted to result in the amino acid substitution p.Ser254Ala. To our knowledge, this variant has not been reported in the literature. This variant is reported in 0.048% of alleles in individuals of European (Non-Finnish) descent in gnomAD. At this time, the clinical significance of this variant is uncertain due to the absence of conclusive functional and genetic evidence.

Labcorp Genetics (formerly Invitae), Labcorp
Classification: Uncertain significance for Glycogen storage disease IXb. Last evaluated: 2022-10-17. Review status: criteria provided, single submitter. Criteria: Invitae Variant Classification Sherloc (09022015). Collection method: clinical testing. Allele origin: germline.
Comment: This sequence change replaces serine, which is neutral and polar, with alanine, which is neutral and non-polar, at codon 261 of the PHKB protein (p.Ser261Ala). This variant is present in population databases (rs137946010, gnomAD 0.05%). This variant has not been reported in the literature in individuals affected with PHKB-related conditions. ClinVar contains an entry for this variant (Variation ID: 319341). Algorithms developed to predict the effect of missense changes on protein structure and function (SIFT, PolyPhen-2, Align-GVGD) all suggest that this variant is likely to be disruptive. In summary, the available evidence is currently insufficient to determine the role of this variant in disease. Therefore, it has been classified as a Variant of Uncertain Significance.

Ambry Genetics
Classification: Uncertain significance for Inborn genetic diseases. Last evaluated: 2021-08-12. Review status: criteria provided, single submitter. Criteria: Ambry Variant Classification Scheme 2023. Collection method: clinical testing. Allele origin: germline.

Illumina Laboratory Services, Illumina
Classification: Uncertain significance for Glycogen storage disease IXb. Last evaluated: 2018-01-13. Review status: criteria provided, single submitter. Criteria: ICSL Variant Classification Criteria 13 December 2019. Collection method: clinical testing. Allele origin: germline.

NM_000293.3(PHKB):c.781T>G (p.Ser261Ala)

Gene: PHKB (phosphorylase kinase regulatory subunit beta; plus strand). Cytogenetic location: 16q12.1.
Variant type: single nucleotide variant.
Coding change: c.781T>G on transcript NM_000293.3 (MANE Select); coding-DNA position 781, T replaced by G.
Protein change: p.Ser261Ala; replaces serine 261 with alanine.
Molecular consequence: missense variant.
Genome position (GRCh38, 1-based): chr16:47,587,674, T>G. VCF-style: chr16-47587674-T-G. GRCh37 (hg19) VCF-style: chr16-47621585-T-G.
Other names: c.760T>G, p.Ser254Ala (NM_001031835.3); c.781T>G, p.Ser261Ala (NM_001363837.1); c.760T>G (NM_001031835.2); short protein forms S261A, S254A.
Identifiers: ClinVar variation 319341 (VCV000319341.10), dbSNP rs137946010, ClinGen allele CA8040624.